The following is an entry in ClinVar:

NM_006904.7(PRKDC):c.118C>G (p.Gln40Glu)

Genes: PRKDC (protein kinase, DNA-activated, catalytic subunit; minus strand), LOC129929030 (ATAC-STARR-seq lymphoblastoid silent region 19177; plus strand). Cytogenetic location: 8q11.21.
Variant type: single nucleotide variant.
Coding change: c.118C>G on transcript NM_006904.7 (MANE Select); coding-DNA position 118, C replaced by G.
Protein change: p.Gln40Glu; replaces glutamine 40 with glutamic acid.
Molecular consequence: missense variant.
Genome position (GRCh38, 1-based): chr8:47,960,009, G>C on the plus strand (C>G on the coding strand, the complement: PRKDC is on the minus strand). VCF-style: chr8-47960009-G-C. GRCh37 (hg19) VCF-style: chr8-48872569-G-C.
Other names: c.118C>G, p.Gln40Glu (NM_001081640.2); short protein forms Q40E.
Identifiers: ClinVar variation 1744494 (VCV001744494.8), dbSNP rs1442399945, ClinGen allele CA371142723.

ClinVar aggregate classification (germline): Uncertain significance. Review status: criteria provided, multiple submitters, no conflicts (2 of 4 stars). 2 submissions from 2 submitters: Uncertain significance (2). Last evaluated 2025-11-19.

Conditions:
Severe combined immunodeficiency due to DNA-PKcs deficiency. Also called: IMMUNODEFICIENCY 26 WITH NEUROLOGIC ABNORMALITIES; Immunodeficiency 26 with or without neurologic abnormalities. Identifiers: Orphanet 317425, MedGen C4014833, MONDO:0014423, OMIM 615966.

Allele frequency attached by ClinVar (database versions not stated): TOPMed below 0.00001; gnomAD 0.00001.

Submissions (2):

Ambry Genetics
Classification: Uncertain significance. Last evaluated: 2025-11-19. Review status: criteria provided, single submitter. Criteria: Ambry Variant Classification Scheme 2023. Collection method: clinical testing. Allele origin: germline.

Labcorp Genetics (formerly Invitae), Labcorp
Classification: Uncertain significance for Severe combined immunodeficiency due to DNA-PKcs deficiency. Last evaluated: 2022-02-18. Review status: criteria provided, single submitter. Criteria: Invitae Variant Classification Sherloc (09022015). Collection method: clinical testing. Allele origin: germline.
Comment: In summary, the available evidence is currently insufficient to determine the role of this variant in disease. Therefore, it has been classified as a Variant of Uncertain Significance. Experimental studies and prediction algorithms are not available or were not evaluated, and the functional significance of this variant is currently unknown. This variant has not been reported in the literature in individuals affected with PRKDC-related conditions. This variant is present in population databases (no rsID available, gnomAD 0.01%). This sequence change replaces glutamine, which is neutral and polar, with glutamic acid, which is acidic and polar, at codon 40 of the PRKDC protein (p.Gln40Glu).